The following is an entry in ClinVar:

NM_001933.5(DLST):c.29G>C (p.Arg10Pro)

Gene: DLST (dihydrolipoamide S-succinyltransferase; plus strand). Cytogenetic location: 14q24.3.
Variant type: single nucleotide variant.
Coding change: c.29G>C on transcript NM_001933.5 (MANE Select); coding-DNA position 29, G replaced by C.
Protein change: p.Arg10Pro; replaces arginine 10 with proline.
Molecular consequence: missense variant. On other transcripts: non-coding transcript variant (2).
Genome position (GRCh38, 1-based): chr14:74,881,982, G>C. VCF-style: chr14-74881982-G-C. GRCh37 (hg19) VCF-style: chr14-75348685-G-C.
Other names: c.29G>C, p.Arg10Pro (NM_001244883.2); short protein forms R10P.
Identifiers: ClinVar variation 4989589 (VCV004989589.1).

ClinVar aggregate classification (germline): Uncertain significance (1 of 4 stars; one submission).

Conditions:
DLST-related disorder. Also called: DLST-related condition.

gnomAD v4.1: 3 of 1,572,212 alleles (0.00019%); highest among the groups gnomAD compares: Non-Finnish European, 0.00026%; no homozygotes.

Submission:

PreventionGenetics, part of Exact Sciences
Classification: Uncertain significance for DLST-related condition. Last evaluated: 2026-07-14. Review status: criteria provided, single submitter. Criteria: ACMG Guidelines, 2015. Collection method: clinical testing. Allele origin: germline.
Comment: The DLST c.29G>C variant is predicted to result in the amino acid substitution p.Arg10Pro. To our knowledge, this variant has not been reported in the literature or in a large population database (gnomAD), indicating this variant is rare. At this time, the clinical significance of this variant is uncertain due to the absence of conclusive functional and genetic evidence.